The following is an entry in ClinVar:

ClinVar aggregate classification (germline): Uncertain significance (1 of 4 stars; one submission).

Allele frequency attached by ClinVar (database versions not stated): gnomAD 0.00002; ESP Exome Variant Server 0.00008.
gnomAD v4.1: 42 of 1,613,950 alleles (0.0026%); highest among the groups gnomAD compares: Non-Finnish European, 0.0031%; no homozygotes.

Submission:

Labcorp Genetics (formerly Invitae), Labcorp
Classification: Uncertain significance. Last evaluated: 2025-12-15. Review status: criteria provided, single submitter. Criteria: Invitae Variant Classification Sherloc (09022015). Collection method: clinical testing. Allele origin: germline.
Comment: This sequence change replaces asparagine, which is neutral and polar, with serine, which is neutral and polar, at codon 2570 of the FLNB protein (p.Asn2570Ser). This variant is present in population databases (rs377163032, gnomAD 0.002%). This variant has not been reported in the literature in individuals affected with FLNB-related conditions. ClinVar contains an entry for this variant (Variation ID: 2960113). Invitae Evidence Modeling of protein sequence and biophysical properties (such as structural, functional, and spatial information, amino acid conservation, physicochemical variation, residue mobility, and thermodynamic stability) indicates that this missense variant is not expected to disrupt FLNB protein function with a negative predictive value of 95%. In summary, the available evidence is currently insufficient to determine the role of this variant in disease. Therefore, it has been classified as a Variant of Uncertain Significance.

NM_001457.4(FLNB):c.7709A>G (p.Asn2570Ser)

Gene: FLNB (filamin B; plus strand). Cytogenetic location: 3p14.3.
Variant type: single nucleotide variant.
Coding change: c.7709A>G on transcript NM_001457.4 (MANE Select); coding-DNA position 7709, A replaced by G.
Protein change: p.Asn2570Ser; replaces asparagine 2570 with serine.
Molecular consequence: missense variant.
Genome position (GRCh38, 1-based): chr3:58,170,662, A>G. VCF-style: chr3-58170662-A-G. GRCh37 (hg19) VCF-style: chr3-58156389-A-G.
Other names: c.7802A>G, p.Asn2601Ser (NM_001164317.2); c.7676A>G, p.Asn2559Ser (NM_001164318.2); c.7637A>G, p.Asn2546Ser (NM_001164319.2); short protein forms N2559S, N2570S, N2546S, N2601S.
Identifiers: ClinVar variation 2960113 (VCV002960113.3), dbSNP rs377163032, ClinGen allele CA2469771.